The following is an entry in ClinVar:

ClinVar aggregate classification (germline): Conflicting classifications of pathogenicity. Review status: criteria provided, conflicting classifications (1 of 4 stars). 2 submissions from 2 submitters: Uncertain significance (1); Likely benign (1). Last evaluated 2026-08-18.

Conditions:
Cardiovascular phenotype. Identifiers: MedGen CN230736.

Allele frequency attached by ClinVar (database versions not stated): gnomAD exomes 0.00001; TOPMed 0.00003; ExAC 0.00002; gnomAD 0.00001; ESP Exome Variant Server 0.00008.
gnomAD v4.1: 10 of 1,614,090 alleles (0.00062%); highest among the groups gnomAD compares: Admixed American, 0.01%; no homozygotes.

Submissions (2):

Ambry Genetics
Classification: Uncertain significance for Cardiovascular phenotype. Last evaluated: 2026-08-18. Review status: criteria provided, single submitter. Criteria: Ambry Variant Classification Scheme 2023. Collection method: clinical testing. Allele origin: germline.
Comment: The p.D462G variant (also known as c.1385A>G), located in coding exon 11 of the ABCA1 gene, results from an A to G substitution at nucleotide position 1385. The aspartic acid at codon 462 is replaced by glycine, an amino acid with similar properties. This amino acid position is highly conserved in available vertebrate species. In addition, the in silico prediction for this alteration is inconclusive. Based on the available evidence, the clinical significance of this variant remains unclear.

Labcorp Genetics (formerly Invitae), Labcorp
Classification: Likely benign. Last evaluated: 2023-05-15. Review status: criteria provided, single submitter. Criteria: Invitae Variant Classification Sherloc (09022015). Collection method: clinical testing. Allele origin: germline.

NM_005502.4(ABCA1):c.1385A>G (p.Asp462Gly)

Gene: ABCA1 (ATP binding cassette subfamily A member 1; minus strand). Cytogenetic location: 9q31.1.
Variant type: single nucleotide variant.
Coding change: c.1385A>G on transcript NM_005502.4 (MANE Select); coding-DNA position 1385, A replaced by G.
Protein change: p.Asp462Gly; replaces aspartic acid 462 with glycine.
Molecular consequence: missense variant.
Genome position (GRCh38, 1-based): chr9:104,832,698, T>C on the plus strand (A>G on the coding strand, the complement: ABCA1 is on the minus strand). VCF-style: chr9-104832698-T-C. GRCh37 (hg19) VCF-style: chr9-107594979-T-C.
Other names: c.1385A>G (NM_005502.3); short protein forms D462G.
Identifiers: ClinVar variation 2720129 (VCV002720129.4), dbSNP rs369574889, ClinGen allele CA5169031.
Genomic context (GRCh38, chr9:104,832,698, plus strand): 5'-TACACAGAACCATTACTGGACTGGACATCCTCTGGGTGCTTGGCCAAAAACGCCACGATG[T>C]CTTGGGCTGTCCAATCTAAGCCATCCAACTGCTGTTCCCAAAAGTGGTCATTGTCCCTGC-3'
Protein context (NP_005493.2, residues 452-472): QLDGLDWTAQ[Asp462Gly]IVAFLAKHPE